The following is an entry in ClinVar:

NM_001556.3(IKBKB):c.1412C>G (p.Ser471Cys)

Gene: IKBKB (inhibitor of nuclear factor kappa B kinase subunit beta; plus strand). Cytogenetic location: 8p11.21.
Variant type: single nucleotide variant.
Coding change: c.1412C>G on transcript NM_001556.3 (MANE Select); coding-DNA position 1412, C replaced by G.
Protein change: p.Ser471Cys; replaces serine 471 with cysteine.
Molecular consequence: missense variant. On other transcripts: non-coding transcript variant (3).
Genome position (GRCh38, 1-based): chr8:42,319,317, C>G. VCF-style: chr8-42319317-C-G. GRCh37 (hg19) VCF-style: chr8-42176835-C-G.
Other names: c.1220C>G, p.Ser407Cys (NM_001190720.3); c.1235C>G, p.Ser412Cys (NM_001242778.2); short protein forms S412C, S471C, S407C.
Identifiers: ClinVar variation 2045352 (VCV002045352.4), dbSNP rs2487692468, ClinGen allele CA371090335.

ClinVar aggregate classification (germline): Uncertain significance (1 of 4 stars; one submission).

Conditions:
Severe combined immunodeficiency due to IKK2 deficiency. Also called: IMMUNODEFICIENCY 15B; Immunodeficiency 15. Identifiers: Orphanet 397787, MedGen C4747743, MONDO:0014267, OMIM 615592.

gnomAD v4.1: 2 of 1,614,094 alleles (0.00012%); highest among the groups gnomAD compares: Non-Finnish European, 0.00017%; no homozygotes.

Submission:

Labcorp Genetics (formerly Invitae), Labcorp
Classification: Uncertain significance for Severe combined immunodeficiency due to IKK2 deficiency. Last evaluated: 2021-12-17. Review status: criteria provided, single submitter. Criteria: Invitae Variant Classification Sherloc (09022015). Collection method: clinical testing. Allele origin: germline.
Comment: In summary, the available evidence is currently insufficient to determine the role of this variant in disease. Therefore, it has been classified as a Variant of Uncertain Significance. Advanced modeling of protein sequence and biophysical properties (such as structural, functional, and spatial information, amino acid conservation, physicochemical variation, residue mobility, and thermodynamic stability) performed at Invitae indicates that this missense variant is not expected to disrupt IKBKB protein function. This variant has not been reported in the literature in individuals affected with IKBKB-related conditions. This variant is not present in population databases (gnomAD no frequency). This sequence change replaces serine, which is neutral and polar, with cysteine, which is neutral and slightly polar, at codon 471 of the IKBKB protein (p.Ser471Cys).